The following is an entry in ClinVar:

NM_002747.4(MAPK4):c.692-4C>T

Gene: MAPK4 (mitogen-activated protein kinase 4; plus strand). Cytogenetic location: 18q21.2.
Variant type: single nucleotide variant.
Coding change: c.692-4C>T on transcript NM_002747.4 (MANE Select); 4 bases into the intron before coding-DNA position 692, C replaced by T.
Molecular consequence: intron variant.
Genome position (GRCh38, 1-based): chr18:50,721,934, C>T. VCF-style: chr18-50721934-C-T. GRCh37 (hg19) VCF-style: chr18-48248304-C-T.
Other names: c.691+6711C>T (NM_001292040.2); c.59-4C>T (NM_001292039.2).
Identifiers: ClinVar variation 2648719 (VCV002648719.24), dbSNP rs77677063, ClinGen allele CA8964398.

ClinVar aggregate classification (germline): Likely benign (1 of 4 stars; one submission).

Allele frequency attached by ClinVar (database versions not stated): 1000 Genomes Project 0.00260; 1000 Genomes Project 30x 0.00297; TOPMed 0.00527; gnomAD 0.00567; ExAC 0.00642; ESP Exome Variant Server 0.00679; gnomAD exomes 0.00840.
gnomAD v4.1: 13,082 of 1,613,948 alleles (0.81%); highest among the groups gnomAD compares: Non-Finnish European, 0.99%; 63 homozygotes.

Submission:

CeGaT Center for Human Genetics Tuebingen
Classification: Likely benign. Last evaluated: 2023-01-01. Review status: criteria provided, single submitter. Criteria: CeGaT Center For Human Genetics Tuebingen Variant Classification Criteria Version 2. Collection method: clinical testing. Allele origin: germline. Affected: yes. Observed: 1 variant allele.
Comment: MAPK4: BP4, BS2